The following is an entry in ClinVar:

NM_015073.3(SIPA1L3):c.4270C>A (p.Pro1424Thr)

Gene: SIPA1L3 (signal induced proliferation associated 1 like 3; plus strand). Cytogenetic location: 19q13.13.
Variant type: single nucleotide variant.
Coding change: c.4270C>A on transcript NM_015073.3 (MANE Select); coding-DNA position 4270, C replaced by A.
Protein change: p.Pro1424Thr; replaces proline 1424 with threonine.
Molecular consequence: missense variant.
Genome position (GRCh38, 1-based): chr19:38,182,580, C>A. VCF-style: chr19-38182580-C-A. GRCh37 (hg19) VCF-style: chr19-38673220-C-A.
Other names: short protein forms P1424T.
Identifiers: ClinVar variation 4721134 (VCV004721134.1).

ClinVar aggregate classification (germline): Uncertain significance (1 of 4 stars; one submission).

gnomAD v4.1: 5 of 1,614,210 alleles (0.00031%); highest among the groups gnomAD compares: South Asian, 0.0011%; no homozygotes.

Submission:

Labcorp Genetics (formerly Invitae), Labcorp
Classification: Uncertain significance. Last evaluated: 2025-07-19. Review status: criteria provided, single submitter. Criteria: Invitae Variant Classification Sherloc (09022015). Collection method: clinical testing. Allele origin: germline.
Comment: This sequence change replaces proline, which is neutral and non-polar, with threonine, which is neutral and polar, at codon 1424 of the SIPA1L3 protein (p.Pro1424Thr). This variant is present in population databases (no rsID available, gnomAD 0.003%). This variant has not been reported in the literature in individuals affected with SIPA1L3-related conditions. An algorithm developed to predict the effect of missense changes on protein structure and function (PolyPhen-2) suggests that this variant is likely to be disruptive. In summary, the available evidence is currently insufficient to determine the role of this variant in disease. Therefore, it has been classified as a Variant of Uncertain Significance.